The following is an entry in ClinVar:

ClinVar aggregate classification (germline): Pathogenic (1 of 4 stars; one submission).

Conditions:
Generalized juvenile polyposis/juvenile polyposis coli. Also called: Juvenile polyposis coli. Identifiers: Orphanet 329971, MedGen C1868081, MONDO:0008276.

Submission:

Labcorp Genetics (formerly Invitae), Labcorp
Classification: Pathogenic for Juvenile polyposis syndrome. Last evaluated: 2019-10-18. Review status: criteria provided, single submitter. Criteria: Invitae Variant Classification Sherloc (09022015). Collection method: clinical testing. Allele origin: germline.
Comment: A gross deletion of the genomic region encompassing the full coding sequence of the SMAD4 gene has been identified. The boundaries of this event are unknown as the deletion extends beyond the assayed region for this gene and therefore may encompass additional genes. Entire gene deletions of SMAD4 have been observed in several individuals affected with juvenile polyposis syndrome (PMID: 17873119). Loss-of-function variants in SMAD4 are known to be pathogenic (PMID: 16152648, 16436638, 22810475). For these reasons, this variant has been classified as Pathogenic.

Literature cited by the submitters: PubMed 17873119.

NC_000018.10:g.(?_51029921)_(51078477_?)del

Gene: SMAD4 (SMAD family member 4; plus strand). Cytogenetic location: 18q21.2.
Variant type: Deletion.
Identifiers: ClinVar variation 831665 (VCV000831665.1).